The following is an entry in ClinVar:

ClinVar aggregate classification (germline): Uncertain significance (1 of 4 stars; one submission).

Conditions:
Galactosylceramide beta-galactosidase deficiency. Also called: Leukodystrophy, Globoid Cell; Krabbe Disease; GALACTOCEREBROSIDASE DEFICIENCY; GALC DEFICIENCY; GLOBOID CELL LEUKOENCEPHALOPATHY. Identifiers: Orphanet 487, MedGen C0023521, MONDO:0009499, OMIM 245200.

gnomAD v4.1: 1 of 1,612,704 alleles (0.000062%); highest among the groups gnomAD compares: Non-Finnish European, 0.000085%; no homozygotes.

Submission:

Labcorp Genetics (formerly Invitae), Labcorp
Classification: Uncertain significance for Galactosylceramide beta-galactosidase deficiency. Last evaluated: 2023-07-13. Review status: criteria provided, single submitter. Criteria: Invitae Variant Classification Sherloc (09022015). Collection method: clinical testing. Allele origin: germline.
Comment: This sequence change replaces glutamic acid, which is acidic and polar, with alanine, which is neutral and non-polar, at codon 462 of the GALC protein (p.Glu462Ala). This variant is not present in population databases (gnomAD no frequency). In summary, the available evidence is currently insufficient to determine the role of this variant in disease. Therefore, it has been classified as a Variant of Uncertain Significance. Advanced modeling of protein sequence and biophysical properties (such as structural, functional, and spatial information, amino acid conservation, physicochemical variation, residue mobility, and thermodynamic stability) has been performed at Invitae for this missense variant, however the output from this modeling did not meet the statistical confidence thresholds required to predict the impact of this variant on GALC protein function. This variant has not been reported in the literature in individuals affected with GALC-related conditions.

NM_000153.4(GALC):c.1385A>C (p.Glu462Ala)

Gene: GALC (galactosylceramidase; minus strand). Cytogenetic location: 14q31.3.
Variant type: single nucleotide variant.
Coding change: c.1385A>C on transcript NM_000153.4 (MANE Select); coding-DNA position 1385, A replaced by C.
Protein change: p.Glu462Ala; replaces glutamic acid 462 with alanine.
Molecular consequence: missense variant. On other transcripts: non-coding transcript variant (1).
Genome position (GRCh38, 1-based): chr14:87,947,832, T>G on the plus strand (A>C on the coding strand, the complement: GALC is on the minus strand). VCF-style: chr14-87947832-T-G. GRCh37 (hg19) VCF-style: chr14-88414176-T-G.
Other names: c.752A>C, p.Glu251Ala (NM_001424076.1, NM_001424077.1); c.1316A>C, p.Glu439Ala (NM_001201401.2); c.1307A>C, p.Glu436Ala (NM_001201402.2); c.1217A>C, p.Glu406Ala (NM_001424071.1, NM_001424072.1, NM_001424073.1); c.1037A>C, p.Glu346Ala (NM_001424074.1, NM_001424075.1); short protein forms E251A, E439A, E406A, E346A, E462A, E436A.
Identifiers: ClinVar variation 2971829 (VCV002971829.3), dbSNP rs2503363345, ClinGen allele CA390746581.